The following is an entry in ClinVar:

NM_017617.5(NOTCH1):c.2510C>G (p.Pro837Arg)

Gene: NOTCH1 (notch receptor 1; minus strand). Cytogenetic location: 9q34.3.
Variant type: single nucleotide variant.
Coding change: c.2510C>G on transcript NM_017617.5 (MANE Select); coding-DNA position 2510, C replaced by G.
Protein change: p.Pro837Arg; replaces proline 837 with arginine.
Molecular consequence: missense variant.
Genome position (GRCh38, 1-based): chr9:136,511,229, G>C on the plus strand (C>G on the coding strand, the complement: NOTCH1 is on the minus strand). VCF-style: chr9-136511229-G-C. GRCh37 (hg19) VCF-style: chr9-139405681-G-C.
Other names: c.2510C>G (NM_017617.3); short protein forms P837R.
Identifiers: ClinVar variation 1476769 (VCV001476769.11), dbSNP rs777663026, ClinGen allele CA5341282.
Genomic context (GRCh38, chr9:136,511,229, plus strand): 5'-CAGACACAGGAGAAGCTCTCATAGTCCTCGGATTGCCTGCACTCCCCGCCGTTTCTGCAG[G>C]GGCTGGGGGCACACGGGGCCAGCACCACCTCACACGTGGCACCTGCGGGAAGGAGACACA-3'
Protein context (NP_060087.3, residues 827-847): EVVLAPCAPS[Pro837Arg]CRNGGECRQS

ClinVar aggregate classification (germline): Uncertain significance. Review status: criteria provided, multiple submitters, no conflicts (2 of 4 stars). 6 submissions from 5 submitters: Uncertain significance (6). Last evaluated 2025-02-26.

Conditions:
Adams-Oliver syndrome 5 (AOS5). Identifiers: Orphanet 974, MedGen C4014970, MONDO:0014459, OMIM 616028.
Familial thoracic aortic aneurysm and aortic dissection (TAAD). Also called: Thoracic aortic aneurysms and dissections. Identifiers: Orphanet 91387, MedGen C4707243, MONDO:0019625.
Aortic valve disease 1 (AOVD1). Identifiers: MedGen C3887892, MONDO:0024523, OMIM 109730.

Allele frequency attached by ClinVar (database versions not stated): gnomAD exomes below 0.00001; TOPMed below 0.00001; ExAC 0.00001; gnomAD 0.00001.
gnomAD v4.1: 6 of 1,612,586 alleles (0.00037%); highest among the groups gnomAD compares: Non-Finnish European, 0.00042%; no homozygotes.

Submissions (6):

Labcorp Genetics (formerly Invitae), Labcorp
Classification: Uncertain significance for Adams-Oliver syndrome 5. Last evaluated: 2025-02-26. Review status: criteria provided, single submitter. Criteria: Invitae Variant Classification Sherloc (09022015). Collection method: clinical testing. Allele origin: germline.
Comment: This sequence change replaces proline, which is neutral and non-polar, with arginine, which is basic and polar, at codon 837 of the NOTCH1 protein (p.Pro837Arg). This variant is present in population databases (rs777663026, gnomAD 0.0009%). This variant has not been reported in the literature in individuals affected with NOTCH1-related conditions. ClinVar contains an entry for this variant (Variation ID: 1476769). Invitae Evidence Modeling of protein sequence and biophysical properties (such as structural, functional, and spatial information, amino acid conservation, physicochemical variation, residue mobility, and thermodynamic stability) indicates that this missense variant is not expected to disrupt NOTCH1 protein function with a negative predictive value of 80%. In summary, the available evidence is currently insufficient to determine the role of this variant in disease. Therefore, it has been classified as a Variant of Uncertain Significance.

GeneDx
Classification: Uncertain significance. Last evaluated: 2024-05-05. Review status: criteria provided, single submitter. Criteria: GeneDx Variant Classification Process June 2021. Collection method: clinical testing. Allele origin: germline. Affected: yes.
Comment: Not observed at significant frequency in large population cohorts (gnomAD); In silico analysis supports that this missense variant has a deleterious effect on protein structure/function; Has not been previously published as pathogenic or benign to our knowledge

Ambry Genetics
Classification: Uncertain significance for Familial thoracic aortic aneurysm and aortic dissection. Last evaluated: 2023-11-23. Review status: criteria provided, single submitter. Criteria: Ambry Variant Classification Scheme 2023. Collection method: clinical testing. Allele origin: germline.
Comment: The p.P837R variant (also known as c.2510C>G), located in coding exon 16 of the NOTCH1 gene, results from a C to G substitution at nucleotide position 2510. The proline at codon 837 is replaced by arginine, an amino acid with dissimilar properties. This amino acid position is highly conserved in available vertebrate species. In addition, the in silico prediction for this alteration is inconclusive. Since supporting evidence is limited at this time, the clinical significance of this alteration remains unclear.

Genome-Nilou Lab
Classification: Uncertain significance for Adams-Oliver syndrome 5. Last evaluated: 2022-03-15. Review status: criteria provided, single submitter. Criteria: ACMG Guidelines, 2015. Collection method: clinical testing. Allele origin: germline. Affected: no.

Genome-Nilou Lab
Classification: Uncertain significance for Aortic valve disease 1. Last evaluated: 2022-03-15. Review status: criteria provided, single submitter. Criteria: ACMG Guidelines, 2015. Collection method: clinical testing. Allele origin: germline. Affected: no.

AiLife Diagnostics
Classification: Uncertain significance. Last evaluated: 2021-12-30. Review status: criteria provided, single submitter. Criteria: ACMG Guidelines, 2015. Collection method: clinical testing. Allele origin: germline. Affected: yes. Observed: 1 variant allele.